The following is an entry in ClinVar:

NM_001013838.3(CARMIL2):c.2946_2947delinsAA (p.Gln983Lys)

Gene: CARMIL2 (capping protein regulator and myosin 1 linker 2; plus strand). Cytogenetic location: 16q22.1.
Variant type: Indel.
Coding change: c.2946_2947delinsAA on transcript NM_001013838.3 (MANE Select); coding-DNA positions 2946 to 2947, GC replaced by AA.
Protein change: p.Gln983Lys; replaces glutamine 983 with lysine.
Molecular consequence: missense variant.
Genome position (GRCh38, 1-based): chr16:67,653,080-67,653,081, GC replaced by AA. VCF-style: chr16-67653080-GC-AA. GRCh37 (hg19) VCF-style: chr16-67686983-GC-AA.
Other names: c.2838_2839delinsAA, p.Gln947Lys (NM_001317026.3); short protein forms Q947K, Q983K.
Identifiers: ClinVar variation 2001231 (VCV002001231.4), dbSNP rs2543569781, ClinGen allele CA2580091811.
Genomic context (GRCh38, chr16:67,653,080, plus strand): 5'-TGCTGCTGAGGAAGCGGAGCCGGAGCCCGAGCTGGCGGCTCCGGGAGAAGATGCAGAGCC[GC>AA]AGGCGGGGCCGTCCGCGCGCGGCTCTCCGAGCCCTGCCGCCCCTGGGCCCCCGGCCGGCC-3'
Protein context (NP_001013860.1, residues 973-993): LAAPGEDAEP[Gln983Lys]AGPSARGSPS

ClinVar aggregate classification (germline): Uncertain significance (1 of 4 stars; one submission).

Submission:

Labcorp Genetics (formerly Invitae), Labcorp
Classification: Uncertain significance. Last evaluated: 2022-05-30. Review status: criteria provided, single submitter. Criteria: Invitae Variant Classification Sherloc (09022015). Collection method: clinical testing. Allele origin: germline.
Comment: Information on the frequency of this variant in the gnomAD database is not available, as this variant may be reported differently in the database. This sequence change replaces glutamine, which is neutral and polar, with lysine, which is basic and polar, at codon 983 of the CARMIL2 protein (p.Gln983Lys). This variant has not been reported in the literature in individuals affected with CARMIL2-related conditions. Experimental studies and prediction algorithms are not available or were not evaluated, and the functional significance of this variant is currently unknown. In summary, the available evidence is currently insufficient to determine the role of this variant in disease. Therefore, it has been classified as a Variant of Uncertain Significance.